The following is an entry in ClinVar:

ClinVar aggregate classification (germline): Uncertain significance (1 of 4 stars; one submission).

Conditions:
Epilepsy, familial adult myoclonic, 5 (EPEO5). Also called: CORTICAL MYOCLONIC TREMOR WITH EPILEPSY, FAMILIAL, 5. Identifiers: Orphanet 86814, MedGen C3809374, MONDO:0014167, OMIM 615400.

Submission:

Labcorp Genetics (formerly Invitae), Labcorp
Classification: Uncertain significance for Epilepsy, familial adult myoclonic, 5. Last evaluated: 2022-06-18. Review status: criteria provided, single submitter. Criteria: Invitae Variant Classification Sherloc (09022015). Collection method: clinical testing. Allele origin: germline.
Comment: Advanced modeling of protein sequence and biophysical properties (such as structural, functional, and spatial information, amino acid conservation, physicochemical variation, residue mobility, and thermodynamic stability) performed at Invitae indicates that this missense variant is not expected to disrupt CNTN2 protein function. In summary, the available evidence is currently insufficient to determine the role of this variant in disease. Therefore, it has been classified as a Variant of Uncertain Significance. This variant has not been reported in the literature in individuals affected with CNTN2-related conditions. This sequence change replaces serine, which is neutral and polar, with arginine, which is basic and polar, at codon 295 of the CNTN2 protein (p.Ser295Arg). This variant is not present in population databases (gnomAD no frequency).

NM_005076.5(CNTN2):c.885C>A (p.Ser295Arg)

Gene: CNTN2 (contactin 2; plus strand). Cytogenetic location: 1q32.1.
Variant type: single nucleotide variant.
Coding change: c.885C>A on transcript NM_005076.5 (MANE Select); coding-DNA position 885, C replaced by A.
Protein change: p.Ser295Arg; replaces serine 295 with arginine.
Molecular consequence: missense variant. On other transcripts: non-coding transcript variant (1).
Genome position (GRCh38, 1-based): chr1:205,061,332, C>A. VCF-style: chr1-205061332-C-A. GRCh37 (hg19) VCF-style: chr1-205030460-C-A.
Other names: c.885C>A, p.Ser295Arg (NM_001346083.2); short protein forms S295R.
Identifiers: ClinVar variation 2008021 (VCV002008021.4), dbSNP rs765220880, ClinGen allele CA344409431.